The following is an entry in ClinVar:

NM_182961.4(SYNE1):c.20436del (p.Gln6812fs)

Gene: SYNE1 (spectrin repeat containing nuclear envelope protein 1; minus strand). Cytogenetic location: 6q25.2.
Variant type: Deletion.
Coding change: c.20436del on transcript NM_182961.4 (MANE Select); coding-DNA position 20436, one base deleted (A; older notation c.20436delA).
Protein change: p.Gln6812fs; shifts the reading frame from glutamine 6812.
Molecular consequence: frameshift variant.
Genome position (GRCh38, 1-based): chr6:152,234,761, T deleted on the plus strand (A on the coding strand, the reverse complement: SYNE1 is on the minus strand); the first of 2 consecutive T bases (chr6:152,234,761-152,234,762); deleting either gives the same sequence. VCF-style (leftmost placement, unchanged base first): chr6-152234760-AT-A. GRCh37 (hg19) VCF-style: chr6-152555895-AT-A.
Other names: c.20223del, p.Gln6741fs (NM_033071.5); short protein forms Q6741fs, Q6812fs.
Identifiers: ClinVar variation 3759924 (VCV003759924.2).

ClinVar aggregate classification (germline): Pathogenic (1 of 4 stars; one submission).

Conditions:
Emery-Dreifuss muscular dystrophy 4, autosomal dominant (EDMD4). Also called: EMERY-DREIFUSS MUSCULAR DYSTROPHY 4 WITH VARIABLE FEATURES. Identifiers: Orphanet 261, MedGen C2751807, MONDO:0013071, OMIM 612998.
Autosomal recessive ataxia, Beauce type. Also called: Spinocerebellar ataxia, autosomal recessive 8; ATAXIA, RECESSIVE, OF BEAUCE; SYNE1-Related Autosomal Recessive Cerebellar Ataxia; SYNE1 Deficiency. Identifiers: Orphanet 88644, MedGen C1853116, MONDO:0012549, OMIM 610743.

Submission:

Labcorp Genetics (formerly Invitae), Labcorp
Classification: Pathogenic for Emery-Dreifuss muscular dystrophy 4, autosomal dominant; Autosomal recessive ataxia, Beauce type. Last evaluated: 2024-11-28. Review status: criteria provided, single submitter. Criteria: Invitae Variant Classification Sherloc (09022015). Collection method: clinical testing. Allele origin: germline.
Comment: This sequence change creates a premature translational stop signal (p.Gln6741Hisfs*7) in the SYNE1 gene. It is expected to result in an absent or disrupted protein product. Loss-of-function variants in SYNE1 are known to be pathogenic (PMID: 19542096, 24319099, 27086870). This variant is not present in population databases (gnomAD no frequency). This variant has not been reported in the literature in individuals affected with SYNE1-related conditions. For these reasons, this variant has been classified as Pathogenic.

Literature cited by the submitters: PubMed 19542096; PubMed 24319099; PubMed 27086870.